The following is an entry in ClinVar:

ClinVar aggregate classification (germline): Likely benign (1 of 4 stars; one submission).

Submission:

CeGaT Center for Human Genetics Tuebingen
Classification: Likely benign. Last evaluated: 2026-05-01. Review status: criteria provided, single submitter. Criteria: CeGaT Center For Human Genetics Tuebingen Variant Classification Criteria Version 2. Collection method: clinical testing. Allele origin: germline. Affected: yes. Observed: 1 variant allele.
Comment: KIF19: PM2:Supporting, BP4, BP7

NM_153209.4(KIF19):c.1920G>T (p.Leu640=)

Gene: KIF19 (kinesin family member 19; plus strand). Cytogenetic location: 17q25.1.
Variant type: single nucleotide variant.
Coding change: c.1920G>T on transcript NM_153209.4 (MANE Select); coding-DNA position 1920, G replaced by T.
Protein change: p.Leu640=; no amino-acid change (leucine 640 retained).
Molecular consequence: synonymous variant.
Genome position (GRCh38, 1-based): chr17:74,352,280, G>T. VCF-style: chr17-74352280-G-T. GRCh37 (hg19) VCF-style: chr17-72348419-G-T.
Identifiers: ClinVar variation 4873511 (VCV004873511.2).
Genomic context (GRCh38, chr17:74,352,280, plus strand): 5'-CTACAACCTGGCCGTCCCGCAGCGCCTGGAAGAGCTCTACGAAGTGTACCTGCGGGAGCT[G>T]GAGGAGGGCAGCCTGGAGCAGGCCACCATCATGGACCAAGTGGCCTCCAGGGCCCTGCAG-3'
Protein context (NP_694941.2, residues 630-650): EELYEVYLRE[Leu640=]EEGSLEQATI